The following is an entry in ClinVar:

ClinVar aggregate classification (germline): Uncertain significance (1 of 4 stars; one submission).

Conditions:
Hereditary cancer-predisposing syndrome. Also called: Neoplastic Syndromes, Hereditary; Tumor predisposition; Hereditary Cancer Syndrome; Hereditary neoplastic syndrome. Identifiers: Orphanet 140162, MedGen C0027672, MeSH D009386, MONDO:0015356.

Submission:

Ambry Genetics
Classification: Uncertain significance for Hereditary cancer-predisposing syndrome. Last evaluated: 2020-08-27. Review status: criteria provided, single submitter. Criteria: Ambry Variant Classification Scheme 2023. Collection method: clinical testing. Allele origin: germline.
Comment: The p.R385S variant (also known as c.1155G>C), located in coding exon 4 of the MSH6 gene, results from a G to C substitution at nucleotide position 1155. The arginine at codon 385 is replaced by serine, an amino acid with dissimilar properties. This amino acid position is highly conserved in available vertebrate species. In addition, the in silico prediction for this alteration is inconclusive. Since supporting evidence is limited at this time, the clinical significance of this alteration remains unclear.

NM_000179.3(MSH6):c.1155G>C (p.Arg385Ser)

Gene: MSH6 (mutS homolog 6; plus strand). Cytogenetic location: 2p16.3.
Variant type: single nucleotide variant.
Coding change: c.1155G>C on transcript NM_000179.3 (MANE Select); coding-DNA position 1155, G replaced by C.
Protein change: p.Arg385Ser; replaces arginine 385 with serine.
Molecular consequence: missense variant.
Genome position (GRCh38, 1-based): chr2:47,799,138, G>C. VCF-style: chr2-47799138-G-C. GRCh37 (hg19) VCF-style: chr2-48026277-G-C.
Other names: c.249G>C, p.Arg83Ser (NM_001281494.2, NM_001281493.2, NM_001406815.1 and 6 more transcripts); c.1251G>C, p.Arg417Ser (NM_001406795.1, NM_001406802.1); c.1155G>C, p.Arg385Ser (NM_001406796.1, NM_001406798.1, NM_001406800.1 and 4 more transcripts); c.858G>C, p.Arg286Ser (NM_001406797.1, NM_001406801.1, NM_001406818.1 and 10 more transcripts); c.765G>C, p.Arg255Ser (NM_001281492.2); c.630G>C, p.Arg210Ser (NM_001406799.1, NM_001406806.1, NM_001406807.1); c.987G>C, p.Arg329Ser (NM_001406826.1); c.1077G>C, p.Arg359Ser (NM_001406804.1); and 1 more; short protein forms R359S, R83S, R210S, R255S, R385S, R387S, R417S, R286S.
Identifiers: ClinVar variation 1735238 (VCV001735238.2), dbSNP rs991563019, ClinGen allele CA346742227.